The following is an entry in ClinVar:

ClinVar aggregate classification (germline): Uncertain significance (1 of 4 stars; one submission).

Allele frequency attached by ClinVar (database versions not stated): ExAC 0.00002.

Submission:

Labcorp Genetics (formerly Invitae), Labcorp
Classification: Uncertain significance. Last evaluated: 2022-09-01. Review status: criteria provided, single submitter. Criteria: Invitae Variant Classification Sherloc (09022015). Collection method: clinical testing. Allele origin: germline.
Comment: In summary, the available evidence is currently insufficient to determine the role of this variant in disease. Therefore, it has been classified as a Variant of Uncertain Significance. Variants that disrupt the consensus splice site are a relatively common cause of aberrant splicing (PMID: 17576681, 9536098). Algorithms developed to predict the effect of sequence changes on RNA splicing suggest that this variant may create or strengthen a splice site. This variant has not been reported in the literature in individuals affected with MFSD2A-related conditions. This variant is present in population databases (rs780487121, gnomAD 0.002%). This sequence change falls in intron 1 of the MFSD2A gene. It does not directly change the encoded amino acid sequence of the MFSD2A protein. It affects a nucleotide within the consensus splice site.

Literature cited by the submitters: PubMed 17576681; PubMed 9536098.

NM_032793.5(MFSD2A):c.93+3G>C

Gene: MFSD2A (MFSD2 lysolipid transporter A, lysophospholipid; plus strand). Cytogenetic location: 1p34.2.
Variant type: single nucleotide variant.
Coding change: c.93+3G>C on transcript NM_032793.5 (MANE Select); 3 bases into the intron after coding-DNA position 93, G replaced by C.
Molecular consequence: intron variant.
Genome position (GRCh38, 1-based): chr1:39,955,388, G>C. VCF-style: chr1-39955388-G-C. GRCh37 (hg19) VCF-style: chr1-40421060-G-C.
Other names: c.93+3G>C (NM_001136493.3, NM_001349822.2, NM_001287809.2); c.-249+3G>C (NM_001349823.2); c.-116+3G>C (NM_001287808.2); c.87+9G>C (NM_001349821.2).
Identifiers: ClinVar variation 2010321 (VCV002010321.4), dbSNP rs780487121, ClinGen allele CA788507.